The following is an entry in ClinVar:

NM_001042492.3(NF1):c.6499A>T (p.Ile2167Phe)

Gene: NF1 (neurofibromin 1; plus strand). Cytogenetic location: 17q11.2.
Variant type: single nucleotide variant.
Coding change: c.6499A>T on transcript NM_001042492.3 (MANE Select); coding-DNA position 6499, A replaced by T.
Protein change: p.Ile2167Phe; replaces isoleucine 2167 with phenylalanine.
Molecular consequence: missense variant.
Genome position (GRCh38, 1-based): chr17:31,337,439, A>T. VCF-style: chr17-31337439-A-T. GRCh37 (hg19) VCF-style: chr17-29664457-A-T.
Other names: c.6436A>T, p.Ile2146Phe (NM_000267.4); short protein forms I2167F, I2146F.
Identifiers: ClinVar variation 2693391 (VCV002693391.4), dbSNP rs2069704731, ClinGen allele CA399013144.

ClinVar aggregate classification (germline): Uncertain significance. Review status: criteria provided, multiple submitters, no conflicts (2 of 4 stars). 2 submissions from 2 submitters: Uncertain significance (2). Last evaluated 2024-02-06.

Conditions:
Neurofibromatosis, type 1 (NF1). Also called: Peripheral type neurofibromatosis; VON RECKLINGHAUSEN DISEASE; Neurofibromatosis, type I; NEUROFIBROMATOSIS, TYPE I, SOMATIC. Identifiers: Orphanet 636, MedGen C0027831, MONDO:0018975, OMIM 162200. Disease mechanism: loss of function.
Cardiovascular phenotype. Identifiers: MedGen CN230736.
Hereditary cancer-predisposing syndrome. Also called: Hereditary Cancer Syndrome; Hereditary neoplastic syndrome; Neoplastic Syndromes, Hereditary; Tumor predisposition. Identifiers: Orphanet 140162, MedGen C0027672, MeSH D009386, MONDO:0015356.

Submissions (2):

Ambry Genetics
Classification: Uncertain significance for Cardiovascular phenotype; Hereditary cancer-predisposing syndrome. Last evaluated: 2024-02-06. Review status: criteria provided, single submitter. Criteria: Ambry Variant Classification Scheme 2023. Collection method: clinical testing. Allele origin: germline.
Comment: The p.I2146F variant (also known as c.6436A>T), located in coding exon 42 of the NF1 gene, results from an A to T substitution at nucleotide position 6436. The isoleucine at codon 2146 is replaced by phenylalanine, an amino acid with highly similar properties. This amino acid position is conserved. In addition, this alteration is predicted to be deleterious by in silico analysis. Based on the available evidence, the clinical significance of this alteration remains unclear.

Labcorp Genetics (formerly Invitae), Labcorp
Classification: Uncertain significance for Neurofibromatosis, type 1. Last evaluated: 2023-11-05. Review status: criteria provided, single submitter. Criteria: Invitae Variant Classification Sherloc (09022015). Collection method: clinical testing. Allele origin: germline.
Comment: This sequence change replaces isoleucine, which is neutral and non-polar, with phenylalanine, which is neutral and non-polar, at codon 2146 of the NF1 protein (p.Ile2146Phe). This variant is not present in population databases (gnomAD no frequency). This variant has not been reported in the literature in individuals affected with NF1-related conditions. Advanced modeling of protein sequence and biophysical properties (such as structural, functional, and spatial information, amino acid conservation, physicochemical variation, residue mobility, and thermodynamic stability) performed at Invitae indicates that this missense variant is expected to disrupt NF1 protein function with a positive predictive value of 95%. In summary, the available evidence is currently insufficient to determine the role of this variant in disease. Therefore, it has been classified as a Variant of Uncertain Significance.